The following is an entry in ClinVar:

ClinVar aggregate classification (germline): Uncertain significance (1 of 4 stars; one submission).

Conditions:
VPS8-related disorder. Also called: VPS8-related condition.

gnomAD v4.1: 8 of 1,593,644 alleles (0.0005%); highest among the groups gnomAD compares: Admixed American, 0.014%; no homozygotes.

Submission:

PreventionGenetics, part of Exact Sciences
Classification: Uncertain significance for VPS8-related condition. Last evaluated: 2024-11-13. Review status: criteria provided, single submitter. Criteria: ACMG Guidelines, 2015. Collection method: clinical testing. Allele origin: germline.
Comment: The VPS8 c.3282A>C variant is predicted to result in the amino acid substitution p.Gln1094His. To our knowledge, this variant has not been reported in the literature. This variant is reported in 0.018% of alleles in individuals of Latino descent in gnomAD. At this time, the clinical significance of this variant is uncertain due to the absence of conclusive functional and genetic evidence.

NM_001009921.3(VPS8):c.3282A>C (p.Gln1094His)

Gene: VPS8 (VPS8 subunit of CORVET complex; plus strand). Cytogenetic location: 3q27.2.
Variant type: single nucleotide variant.
Coding change: c.3282A>C on transcript NM_001009921.3 (MANE Select); coding-DNA position 3282, A replaced by C.
Protein change: p.Gln1094His; replaces glutamine 1094 with histidine.
Molecular consequence: missense variant. On other transcripts: non-coding transcript variant (1).
Genome position (GRCh38, 1-based): chr3:184,966,679, A>C. VCF-style: chr3-184966679-A-C. GRCh37 (hg19) VCF-style: chr3-184684467-A-C.
Other names: c.3282A>C, p.Gln1094His (NM_001349292.2, NM_001349293.2, NM_001349294.2 and 1 more transcripts); c.3243A>C, p.Gln1081His (NM_001349296.2); c.1563A>C, p.Gln521His (NM_001349297.2); c.1482A>C, p.Gln494His (NM_001349298.2); c.3276A>C, p.Gln1092His (NM_015303.4); short protein forms Q1081H, Q1092H, Q1094H, Q494H, Q521H.
Identifiers: ClinVar variation 4977523 (VCV004977523.1).